The following is an entry in ClinVar:

NM_000344.4(SMN1):c.549del (p.Lys184fs)

Gene: SMN1 (survival of motor neuron 1, telomeric). Cytogenetic location: 5q13.2.
Variant type: Deletion.
Coding change: c.549del on transcript NM_000344.4 (MANE Select); coding-DNA position 549, one base deleted.
Protein change: p.Lys184fs; shifts the reading frame from lysine 184.
Molecular consequence: frameshift variant.
Genome position: GRCh38 VCF-style: chr5-70942791-TC-T. GRCh37 (hg19) VCF-style: chr5-70238618-TC-T.
Other names: c.549del (NM_000344.3); c.549del, p.Lys184fs (NM_001297715.1, NM_022874.2); c.549delC (NM_000344.3); short protein forms K184fs.
Identifiers: ClinVar variation 1699219 (VCV001699219.5), dbSNP rs2112806512, ClinGen allele CA1139532856.
Genomic context (GRCh38, chr5:70,942,791, plus strand): 5'-GCCAAGTTTCAACAGATGAAAGTGAGAACTCCAGGTCTCCTGGAAATAAATCAGATAACA[TC>T]AAGCCCAAATCTGCTCCATGGAACTCTTTTCTCCCTCCACCACCCCCCATGCCAGGGCCA-3'

ClinVar aggregate classification (germline): Pathogenic. Review status: criteria provided, multiple submitters, no conflicts (2 of 4 stars). 3 submissions from 3 submitters: Pathogenic (2). 1 of the submissions does not count toward it. Last evaluated 2023-08-12.

Conditions:
Werdnig-Hoffmann disease (SMA1). Also called: MUSCULAR ATROPHY, INFANTILE; SMA I; SMA, INFANTILE ACUTE FORM; HMN (Hereditary Motor Neuropathy) Proximal Type I. Identifiers: Orphanet 83330, MedGen C5848259, MONDO:0009669, OMIM 253300. Disease mechanism: loss of function.
Spinal muscular atrophy (SMA). Identifiers: MedGen C0026847, MeSH D009134, MONDO:0001516, HP:0007269.

Submissions (3):

Athena Diagnostics
Classification: Pathogenic. Last evaluated: 2023-08-12. Review status: criteria provided, single submitter. Criteria: Athena Diagnostics Criteria. Collection method: clinical testing. Allele origin: unknown.
Comment: This variant is expected to result in the loss of a functional protein. This variant has been identified in at least one individual with clinical features associated with this gene. Frequency data for this variant in the general population cannot be distinguished from that of the SMN2 gene, and is therefore uninformative in assessment of variant pathogenicity (Genome Aggregation Database (gnomAD), Cambridge, MA (URL)).

Victorian Clinical Genetics Services, Murdoch Childrens Research Institute
Classification: Pathogenic for Spinal muscular atrophy. Last evaluated: 2020-10-19. Review status: criteria provided, single submitter. Criteria: ACMG Guidelines, 2015. Collection method: clinical testing. Allele origin: germline. Inheritance: Autosomal recessive inheritance.
Comment: Based on the classification scheme VCGS_Germline_v1.1.1, this variant is classified as Pathogenic. Following criteria are met: 0102 - Loss-of-function is a known mechanism of disease for this gene (OMIM). (N) 0106 - This gene is known to be associated with autosomal recessive disease (OMIM). (N) 0201 - Variant is predicted to cause nonsense-mediated decay (NMD) and loss of protein (exon 5 of 9). (P) 0701 - Comparable variants have very strong previous evidence for pathogenicity. Other variants predicted to cause NMD have been reported as pathogenic (ClinVar, Decipher). (P) 0807 - Variant has not previously been reported in a clinical context. (N) 0905 - No segregation evidence has been identified for this variant. (N) 1007 - No published functional evidence has been identified for this variant. (N) 1208 - Inheritance information for this variant is not currently available. (N) Legend: (P) - Pathogenic, (N) - Neutral, (B) - Benign

Center for Human Genetics and Genomic Medicine, Uniklinik Rwth Aachen
Classification: Pathogenic for Werdnig-Hoffmann disease. Last evaluated: 2025-07-09. Review status: no assertion criteria provided. Collection method: clinical testing. Allele origin: germline. Inheritance: Autosomal recessive inheritance. Affected: no. Not counted in ClinVar's aggregate classification.
Comment: The variant has previously been reported in patients with 5q-SMA. PVS1. PM3_str

Literature cited by the submitters: PubMed 34602496 (cited by Athena Diagnostics); PubMed 33481221 (cited by Athena Diagnostics).